The following is an entry in ClinVar:

NM_003361.4(UMOD):c.768C>T (p.Cys256=)

Gene: UMOD (uromodulin; minus strand). Cytogenetic location: 16p12.3.
Variant type: single nucleotide variant.
Coding change: c.768C>T on transcript NM_003361.4 (MANE Select); coding-DNA position 768, C replaced by T.
Protein change: p.Cys256=; no amino-acid change (cysteine 256 retained).
Molecular consequence: synonymous variant. On other transcripts: non-coding transcript variant (1).
Genome position (GRCh38, 1-based): chr16:20,348,533, G>A on the plus strand (C>T on the coding strand, the complement: UMOD is on the minus strand). VCF-style: chr16-20348533-G-A. GRCh37 (hg19) VCF-style: chr16-20359855-G-A.
Other names: c.768C>T, p.Cys256= (NM_001008389.3, NM_001378232.1, NM_001378233.1 and 3 more transcripts); c.867C>T, p.Cys289= (NM_001278614.2).
Identifiers: ClinVar variation 3030151 (VCV003030151.2), dbSNP rs774838407, ClinGen allele CA7939410.

ClinVar aggregate classification (germline): Likely benign (0 of 4 stars; one submission).

Conditions:
UMOD-related disorder. Also called: UMOD-related condition.

Allele frequency attached by ClinVar (database versions not stated): ExAC 0.00001; gnomAD exomes 0.00001; TOPMed 0.00001.
gnomAD v4.1: 9 of 1,604,346 alleles (0.00056%); highest among the groups gnomAD compares: Admixed American, 0.0067%; no homozygotes.

Submission:

PreventionGenetics, part of Exact Sciences
Classification: Likely benign for UMOD-related condition. Last evaluated: 2021-03-23. Review status: no assertion criteria provided. Collection method: clinical testing. Allele origin: germline.
Comment: This variant is classified as likely benign based on ACMG/AMP sequence variant interpretation guidelines (Richards et al. 2015 PMID: 25741868, with internal and published modifications).